The following is an entry in ClinVar:

ClinVar aggregate classification (germline): Uncertain significance. Review status: criteria provided, multiple submitters, no conflicts (2 of 4 stars). 2 submissions from 2 submitters: Uncertain significance (2). Last evaluated 2024-12-22.

Conditions:
Neuropathy, hereditary sensory and autonomic, type 2A (HSAN2A). Also called: ACROOSTEOLYSIS, GIACCAI TYPE; ACROOSTEOLYSIS, NEUROGENIC; MORVAN DISEASE; NEUROPATHY, CONGENITAL SENSORY; NEUROPATHY, HEREDITARY SENSORY RADICULAR, AUTOSOMAL RECESSIVE; NEUROPATHY, HEREDITARY SENSORY, TYPE IIA. Identifiers: Orphanet 970, MedGen C2752089, MONDO:0024309, OMIM 201300.
Generalized epilepsy with febrile seizures plus, type 7 (GEFSP7). Also called: GEFS+, TYPE 7. Identifiers: Orphanet 36387, MedGen C2751778, MONDO:0013470, OMIM 613863.

Allele frequency attached by ClinVar (database versions not stated): gnomAD exomes below 0.00001.
gnomAD v4.1: 1 of 1,614,108 alleles (0.000062%); highest among the groups gnomAD compares: African/African-American, 0.0013%; no homozygotes.

Submissions (2):

Labcorp Genetics (formerly Invitae), Labcorp
Classification: Uncertain significance for Neuropathy, hereditary sensory and autonomic, type 2A; Generalized epilepsy with febrile seizures plus, type 7. Last evaluated: 2024-12-22. Review status: criteria provided, single submitter. Criteria: Invitae Variant Classification Sherloc (09022015). Collection method: clinical testing. Allele origin: germline.
Comment: This sequence change replaces threonine, which is neutral and polar, with serine, which is neutral and polar, at codon 1685 of the SCN9A protein (p.Thr1685Ser). This variant is not present in population databases (gnomAD no frequency). This variant has not been reported in the literature in individuals affected with SCN9A-related conditions. ClinVar contains an entry for this variant (Variation ID: 246177). Invitae Evidence Modeling of protein sequence and biophysical properties (such as structural, functional, and spatial information, amino acid conservation, physicochemical variation, residue mobility, and thermodynamic stability) has been performed for this missense variant. However, the output from this modeling did not meet the statistical confidence thresholds required to predict the impact of this variant on SCN9A protein function. In summary, the available evidence is currently insufficient to determine the role of this variant in disease. Therefore, it has been classified as a Variant of Uncertain Significance.

GeneDx
Classification: Uncertain significance. Last evaluated: 2016-01-05. Review status: criteria provided, single submitter. Criteria: GeneDx Variant Classification (06012015). Collection method: clinical testing. Allele origin: germline. Affected: yes.
Comment: The T1685S variant has not been published as a pathogenic variant, nor has it been reported as a benign variant to our knowledge. It was not observed in approximately 6,500 individuals of European and African American ancestry in the NHLBI Exome Sequencing Project, indicating it is not a common benign variant in these populations. This substitution occurs at a position that is conserved across species. In silico analysis predicts this variant is probably damaging to the protein structure/function. However, the T1685S variant is a conservative amino acid substitution, which is not likely to impact secondary protein structure as these residues share similar properties. Therefore, based on the currently available information, it is unclear whether this variant is a pathogenic variant or a rare benign variant.

NM_001365536.1(SCN9A):c.5086A>T (p.Thr1696Ser)

Genes: SCN1A-AS1 (SCN1A and SCN9A antisense RNA 1; plus strand), SCN9A (sodium voltage-gated channel alpha subunit 9; minus strand). Cytogenetic location: 2q24.3.
Variant type: single nucleotide variant.
Coding change: c.5086A>T on transcript NM_001365536.1 (MANE Select); coding-DNA position 5086, A replaced by T.
Protein change: p.Thr1696Ser; replaces threonine 1696 with serine.
Molecular consequence: missense variant.
Genome position (GRCh38, 1-based): chr2:166,199,553, T>A on the plus strand (A>T on the coding strand, the complement: SCN9A is on the minus strand). VCF-style: chr2-166199553-T-A. GRCh37 (hg19) VCF-style: chr2-167056063-T-A.
Other names: c.5053A>T, p.Thr1685Ser (NM_002977.4); short protein forms T1685S, T1696S.
Identifiers: ClinVar variation 246177 (VCV000246177.10), dbSNP rs879254140, ClinGen allele CA10584160.